The following is an entry in ClinVar:

ClinVar aggregate classification (germline): Pathogenic (1 of 4 stars; one submission).

Conditions:
Mucopolysaccharidosis, MPS-IV-A (MPS4A). Also called: Mucopolysaccharidosis Type IVA; GALACTOSAMINE-6-SULFATASE DEFICIENCY; GALNS DEFICIENCY; MORQUIO A DISEASE; MPS IVA; Morquio syndrome A, mild. Identifiers: Orphanet 309297, Orphanet 582, MedGen C0086651, MONDO:0009659, OMIM 253000.

Submission:

Labcorp Genetics (formerly Invitae), Labcorp
Classification: Pathogenic for Mucopolysaccharidosis, MPS-IV-A. Last evaluated: 2022-10-28. Review status: criteria provided, single submitter. Criteria: Invitae Variant Classification Sherloc (09022015). Collection method: clinical testing. Allele origin: germline.
Comment: A gross deletion of the genomic region encompassing the full coding sequence of the GALNS gene has been identified. Loss-of-function variants in GALNS are known to be pathogenic (PMID: 12442278). The boundaries of this event are unknown as they extend beyond the assayed region for this gene and therefore may encompass additional genes. Isolated whole-gene deletions of GALNS have not been reported in the literature. However, larger copy number events that include this gene have been reported (PMID: 8829629, 10479485). For these reasons, this variant has been classified as Pathogenic.

Literature cited by the submitters: PubMed 12442278; PubMed 8829629; PubMed 10479485.

NC_000016.10:g.(?_88814419)_(88856897_?)del

Genes: GALNS (galactosamine (N-acetyl)-6-sulfatase; minus strand), TRAPPC2L (trafficking protein particle complex subunit 2L; plus strand), LOC126862447 (CDK7 strongly-dependent group 2 enhancer GRCh37_chr16:88884193-88885392; plus strand), LOC130059761 (ATAC-STARR-seq lymphoblastoid silent region 7882; plus strand), LOC130059762 (ATAC-STARR-seq lymphoblastoid silent region 7883; plus strand) and 1 more. Cytogenetic location: 16q24.3.
Variant type: Deletion.
Identifiers: ClinVar variation 528326 (VCV000528326.9).